The following is an entry in ClinVar:

NM_001164508.2(NEB):c.10154A>T (p.Lys3385Ile)

Gene: NEB (nebulin; minus strand). Cytogenetic location: 2q23.3.
Variant type: single nucleotide variant.
Coding change: c.10154A>T on transcript NM_001164508.2 (MANE Select); coding-DNA position 10154, A replaced by T.
Protein change: p.Lys3385Ile; replaces lysine 3385 with isoleucine.
Molecular consequence: missense variant.
Genome position (GRCh38, 1-based): chr2:151,627,195, T>A on the plus strand (A>T on the coding strand, the complement: NEB is on the minus strand). VCF-style: chr2-151627195-T-A. GRCh37 (hg19) VCF-style: chr2-152483709-T-A.
Other names: c.10154A>T, p.Lys3385Ile (NM_001164507.2, NM_001271208.2); c.9425A>T, p.Lys3142Ile (NM_004543.5); short protein forms K3142I, K3385I.
Identifiers: ClinVar variation 2759077 (VCV002759077.3), dbSNP rs186278440, ClinGen allele CA348793627.

ClinVar aggregate classification (germline): Uncertain significance (1 of 4 stars; one submission).

Conditions:
Nemaline myopathy 2 (NEM2). Also called: Nemaline myopathy 2, autosomal recessive. Identifiers: MedGen C1850569, MONDO:0009725, OMIM 256030.

Submission:

Labcorp Genetics (formerly Invitae), Labcorp
Classification: Uncertain significance for Nemaline myopathy 2. Last evaluated: 2023-09-08. Review status: criteria provided, single submitter. Criteria: Invitae Variant Classification Sherloc (09022015). Collection method: clinical testing. Allele origin: germline.
Comment: This variant is not present in population databases (gnomAD no frequency). This sequence change replaces lysine, which is basic and polar, with isoleucine, which is neutral and non-polar, at codon 3385 of the NEB protein (p.Lys3385Ile). This variant has not been reported in the literature in individuals affected with NEB-related conditions. In summary, the available evidence is currently insufficient to determine the role of this variant in disease. Therefore, it has been classified as a Variant of Uncertain Significance. Experimental studies and prediction algorithms are not available or were not evaluated, and the functional significance of this variant is currently unknown.